The following is an entry in ClinVar:

ClinVar aggregate classification (germline): Conflicting classifications of pathogenicity. Review status: criteria provided, conflicting classifications (1 of 4 stars). 2 submissions from 2 submitters: Uncertain significance (1); Benign (1). Last evaluated 2024-12-31.

Conditions:
Inborn genetic diseases. Identifiers: MedGen C0950123, MeSH D030342.
White sponge nevus 1. Also called: LEUKOKERATOSIS, HEREDITARY MUCOSAL. Identifiers: MedGen C4011926, MONDO:0008676, OMIM 193900.

Allele frequency attached by ClinVar (database versions not stated): TOPMed 0.00012; ESP Exome Variant Server 0.00015.
gnomAD v4.1: 186 of 1,614,084 alleles (0.012%); highest among the groups gnomAD compares: African/African-American, 0.043%; no homozygotes.

Submissions (2):

Ambry Genetics
Classification: Uncertain significance for Inborn genetic diseases. Last evaluated: 2024-12-31. Review status: criteria provided, single submitter. Criteria: Ambry Variant Classification Scheme 2023. Collection method: clinical testing. Allele origin: germline.

Illumina Laboratory Services, Illumina
Classification: Benign for White sponge nevus 1. Last evaluated: 2018-01-12. Review status: criteria provided, single submitter. Criteria: ICSL Variant Classification Criteria 13 December 2019. Collection method: clinical testing. Allele origin: germline.
Comment: This variant was observed in the ICSL laboratory as part of a predisposition screen in an ostensibly healthy population. It had not been previously curated by ICSL or reported in the Human Gene Mutation Database (HGMD: prior to June 1st, 2018), and was therefore a candidate for classification through an automated scoring system. Utilizing variant allele frequency, disease prevalence and penetrance estimates, and inheritance mode, an automated score was calculated to assess if this variant is too frequent to cause the disease. Based on the score and internal cut-off values, a variant classified as benign is not then subjected to further curation. The score for this variant resulted in a classification of benign for this disease.

NM_002272.4(KRT4):c.1259G>A (p.Arg420His)

Gene: KRT4 (keratin 4; minus strand). Cytogenetic location: 12q13.13.
Variant type: single nucleotide variant.
Coding change: c.1259G>A on transcript NM_002272.4 (MANE Select); coding-DNA position 1259, G replaced by A.
Protein change: p.Arg420His; replaces arginine 420 with histidine.
Molecular consequence: missense variant.
Genome position (GRCh38, 1-based): chr12:52,807,731, C>T on the plus strand (G>A on the coding strand, the complement: KRT4 is on the minus strand). VCF-style: chr12-52807731-C-T. GRCh37 (hg19) VCF-style: chr12-53201515-C-T.
Other names: short protein forms R420H.
Identifiers: ClinVar variation 309672 (VCV000309672.6), dbSNP rs377329227, ClinGen allele CA6588458.